The following is an entry in ClinVar:

NM_000368.5(TSC1):c.143A>G (p.Tyr48Cys)

Gene: TSC1 (TSC complex subunit 1; minus strand). Cytogenetic location: 9q34.13.
Variant type: single nucleotide variant.
Coding change: c.143A>G on transcript NM_000368.5 (MANE Select); coding-DNA position 143, A replaced by G.
Protein change: p.Tyr48Cys; replaces tyrosine 48 with cysteine.
Molecular consequence: missense variant. On other transcripts: intron variant (9), 5 prime UTR variant (9), non-coding transcript variant (4).
Genome position (GRCh38, 1-based): chr9:132,927,268, T>C on the plus strand (A>G on the coding strand, the complement: TSC1 is on the minus strand). VCF-style: chr9-132927268-T-C. GRCh37 (hg19) VCF-style: chr9-135802655-T-C.
Other names: c.-153-1529A>G (NM_001406618.1, NM_001406620.1); c.-154+1499A>G (NM_001406625.1, NM_001406621.1, NM_001406617.1 and 3 more transcripts); c.-246+1499A>G (NM_001406614.1); c.143A>G, p.Tyr48Cys (NM_001162426.2, NM_001162427.2, NM_001406592.1 and 21 more transcripts); c.-346A>G (NM_001406615.1, NM_001406623.1); c.-313A>G (NM_001406616.1, NM_001406624.1); c.-735A>G (NM_001406626.1, NM_001406627.1, NM_001406628.1); c.-877A>G (NM_001406629.1); and 1 more; short protein forms Y48C.
Identifiers: ClinVar variation 2728460 (VCV002728460.3), dbSNP rs2539113411, ClinGen allele CA375375164.

ClinVar aggregate classification (germline): Uncertain significance (1 of 4 stars; one submission).

Conditions:
Tuberous sclerosis 1 (TSC1). Identifiers: Orphanet 805, MedGen C1854465, MONDO:0008612, OMIM 191100.

Submission:

Labcorp Genetics (formerly Invitae), Labcorp
Classification: Uncertain significance for Tuberous sclerosis 1. Last evaluated: 2023-06-25. Review status: criteria provided, single submitter. Criteria: Invitae Variant Classification Sherloc (09022015). Collection method: clinical testing. Allele origin: germline.
Comment: This sequence change replaces tyrosine, which is neutral and polar, with cysteine, which is neutral and slightly polar, at codon 48 of the TSC1 protein (p.Tyr48Cys). This variant is not present in population databases (gnomAD no frequency). This variant has not been reported in the literature in individuals affected with TSC1-related conditions. Advanced modeling of protein sequence and biophysical properties (such as structural, functional, and spatial information, amino acid conservation, physicochemical variation, residue mobility, and thermodynamic stability) performed at Invitae indicates that this missense variant is not expected to disrupt TSC1 protein function. In summary, the available evidence is currently insufficient to determine the role of this variant in disease. Therefore, it has been classified as a Variant of Uncertain Significance.